The following is an entry in ClinVar:

ClinVar aggregate classification (germline): Uncertain significance. Review status: criteria provided, multiple submitters, no conflicts (2 of 4 stars). 5 submissions from 5 submitters: Uncertain significance (5). Last evaluated 2025-12-18.

Conditions:
RYR1-related disorder. Also called: RYR1-related disorders; RYR1-related condition. Identifiers: MedGen CN239331.
Malignant hyperthermia, susceptibility to, 1 (MHS1). Also called: Anesthesia related hyperthermia; Malignant hyperpyrexia; Fulminating hyperpyrexia; Pharmacogenic myopathy; Malignant hyperthermia suceptibility 1; RYR1-Related Malignant Hyperthermia Susceptibility. Identifiers: Orphanet 423, MedGen C2930980, MONDO:0007783, OMIM 145600.

Allele frequency attached by ClinVar (database versions not stated): TOPMed below 0.00001; gnomAD 0.00001; gnomAD exomes 0.00001.
gnomAD v4.1: 23 of 1,560,476 alleles (0.0015%); highest among the groups gnomAD compares: Non-Finnish European, 0.0016%; no homozygotes.

Submissions (5):

Labcorp Genetics (formerly Invitae), Labcorp
Classification: Uncertain significance for RYR1-related disorder. Last evaluated: 2025-12-18. Review status: criteria provided, single submitter. Criteria: Invitae Variant Classification Sherloc (09022015). Collection method: clinical testing. Allele origin: germline.
Comment: This sequence change replaces glutamic acid, which is acidic and polar, with lysine, which is basic and polar, at codon 1582 of the RYR1 protein (p.Glu1582Lys). This variant is present in population databases (no rsID available, gnomAD 0.006%). This missense change has been observed in individual(s) with malignant hyperthermia (internal data). ClinVar contains an entry for this variant (Variation ID: 979148). Invitae Evidence Modeling of protein sequence and biophysical properties (such as structural, functional, and spatial information, amino acid conservation, physicochemical variation, residue mobility, and thermodynamic stability) indicates that this missense variant is not expected to disrupt RYR1 protein function with a negative predictive value of 80%. In summary, the available evidence is currently insufficient to determine the role of this variant in disease. Therefore, it has been classified as a Variant of Uncertain Significance.

GeneDx
Classification: Uncertain significance. Last evaluated: 2025-07-27. Review status: criteria provided, single submitter. Criteria: GeneDx Variant Classification Process June 2021. Collection method: clinical testing. Allele origin: germline. Affected: yes.
Comment: Not observed at significant frequency in large population cohorts (gnomAD); In silico analysis supports that this missense variant has a deleterious effect on protein structure/function; Has not been previously published as pathogenic or benign to our knowledge

Color Diagnostics, LLC DBA Color Health
Classification: Uncertain significance for Malignant hyperthermia, susceptibility to, 1. Last evaluated: 2024-04-25. Review status: criteria provided, single submitter. Criteria: ACMG Guidelines, 2015. Collection method: clinical testing. Allele origin: germline.
Comment: This missense variant replaces glutamic acid with lysine at codon 1582 of the RYR1 protein. Computational prediction is inconclusive regarding the impact of this variant on protein structure and function. To our knowledge, functional studies have not been reported for this variant. This variant has not been reported in individuals affected with RYR1-related disorders in the literature. This variant has been identified in 1/199208 chromosomes in the general population by the Genome Aggregation Database (gnomAD). The available evidence is insufficient to determine the role of this variant in disease conclusively. Therefore, this variant is classified as a Variant of Uncertain Significance.

Blueprint Genetics
Classification: Uncertain significance. Last evaluated: 2021-07-01. Review status: criteria provided, single submitter. Criteria: ACMG Guidelines, 2015. Collection method: clinical testing. Allele origin: germline.

Human Genome Sequencing Center Clinical Lab, Baylor College of Medicine
Classification: Uncertain significance for Malignant hyperthermia suceptibility 1. Review status: criteria provided, single submitter. Criteria: ACMG Guidelines, 2015. Collection method: clinical testing. Allele origin: germline.

NM_000540.3(RYR1):c.4744G>A (p.Glu1582Lys)

Gene: RYR1 (ryanodine receptor 1; plus strand). Cytogenetic location: 19q13.2.
Variant type: single nucleotide variant.
Coding change: c.4744G>A on transcript NM_000540.3 (MANE Select); coding-DNA position 4744, G replaced by A.
Protein change: p.Glu1582Lys; replaces glutamic acid 1582 with lysine.
Molecular consequence: missense variant.
Genome position (GRCh38, 1-based): chr19:38,483,326, G>A. VCF-style: chr19-38483326-G-A. GRCh37 (hg19) VCF-style: chr19-38973966-G-A.
Other names: c.4744G>A, p.Glu1582Lys (NM_001042723.2); short protein forms E1582K.
Identifiers: ClinVar variation 979148 (VCV000979148.9), dbSNP rs1200734670, ClinGen allele CA405650269.
Genomic context (GRCh38, chr19:38,483,326, plus strand): 5'-CCATGTGTGTCTCTCTGCCCTCAGAACATCATGCCGTTGTCAGCCGCCATGTTCCAAAGC[G>A]AGCGCAAGAACCCGGCCCCGCAGTGCCCACCGCGGCTGGAGATGCAGATGCTGATGCCAG-3'
Protein context (NP_000531.2, residues 1572-1592): MPLSAAMFQS[Glu1582Lys]RKNPAPQCPP